The following is an entry in ClinVar:

NM_001035.3(RYR2):c.5120T>G (p.Ile1707Ser)

Gene: RYR2 (ryanodine receptor 2; plus strand). Cytogenetic location: 1q43.
Variant type: single nucleotide variant.
Coding change: c.5120T>G on transcript NM_001035.3 (MANE Select); coding-DNA position 5120, T replaced by G.
Protein change: p.Ile1707Ser; replaces isoleucine 1707 with serine.
Molecular consequence: missense variant.
Genome position (GRCh38, 1-based): chr1:237,614,248, T>G. VCF-style: chr1-237614248-T-G. GRCh37 (hg19) VCF-style: chr1-237777548-T-G.
Other names: short protein forms I1707S.
Identifiers: ClinVar variation 923344 (VCV000923344.4), dbSNP rs1678215875, ClinGen allele CA345404060.

ClinVar aggregate classification (germline): Uncertain significance (1 of 4 stars; one submission).

Conditions:
Cardiomyopathy (CMYO). Also called: Cardiomyopathies. Identifiers: Orphanet 167848, MedGen C0878544, MONDO:0004994, HP:0001638. Inheritance: Various modes of inheritance.

Submission:

Color Diagnostics, LLC DBA Color Health
Classification: Uncertain significance for Cardiomyopathy. Last evaluated: 2024-03-06. Review status: criteria provided, single submitter. Criteria: ACMG Guidelines, 2015. Collection method: clinical testing. Allele origin: germline.
Comment: This missense variant replaces isoleucine with serine at codon 1707 of the RYR2 protein. Computational prediction tool suggests that this variant may have deleterious impact on protein structure and function (internally defined REVEL score threshold >=0.7, PMID: 27666373). Splice site prediction tools suggest that this variant may not impact RNA splicing. To our knowledge, functional studies have not been performed for this variant. This variant has not been reported in individuals affected with cardiovascular disorders in the literature. This variant has not been identified in the general population by the Genome Aggregation Database (gnomAD). The available evidence is insufficient to determine the role of this variant in disease conclusively. Therefore, this variant is classified as a Variant of Uncertain Significance.